The following is an entry in ClinVar:

NM_025114.4(CEP290):c.4384del (p.Glu1462fs)

Gene: CEP290 (centrosomal protein 290; minus strand). Cytogenetic location: 12q21.32.
Variant type: Deletion.
Coding change: c.4384del on transcript NM_025114.4 (MANE Select); coding-DNA position 4384, one base deleted (G; older notation c.4384delG).
Protein change: p.Glu1462fs; shifts the reading frame from glutamic acid 1462.
Molecular consequence: frameshift variant.
Genome position (GRCh38, 1-based): chr12:88,086,092, C deleted on the plus strand (G on the coding strand, the reverse complement: CEP290 is on the minus strand); the first of 2 consecutive C bases (chr12:88,086,092-88,086,093); deleting either gives the same sequence. VCF-style (leftmost placement, unchanged base first): chr12-88086091-TC-T. GRCh37 (hg19) VCF-style: chr12-88479868-TC-T.
Other names: c.4384delG (NM_025114.3); short protein forms E1462fs.
Identifiers: ClinVar variation 217625 (VCV000217625.7), dbSNP rs863225182, ClinGen allele CA279493.
Genomic context (GRCh38, chr12:88,086,091, plus strand): 5'-CTAATTACCTCTTCTAGTGATTTGCAAGTTGCCCGTGTTTCTAGAATTATTCGAATGTTC[TC>T]CTTAATTTTCCTTAGAGCGATCTCAAGTTGATTTGGAAGGGGCAAACTAGGGTCAGGGAT-3'

ClinVar aggregate classification (germline): Pathogenic. Review status: criteria provided, multiple submitters, no conflicts (2 of 4 stars). 3 submissions from 3 submitters: Pathogenic (3). Last evaluated 2024-01-26.

Conditions:
Meckel-Gruber syndrome. Also called: Dysencephalia splachnocystica; DYSENCEPHALIA SPLANCHNOCYSTICA; GRUBER SYNDROME. Identifiers: Orphanet 564, MedGen C0265215, MONDO:0018921.
Nephronophthisis. Also called: Juvenile Nephronophthisis. Identifiers: Orphanet 655, MedGen C0687120, MONDO:0019005, HP:0000090.
Joubert syndrome. Also called: CEREBELLOPARENCHYMAL DISORDER IV; JOUBERT-BOLTSHAUSER SYNDROME; Familial aplasia of the vermis. Identifiers: Orphanet 475, MedGen C5979921, MONDO:0018772.
Bardet-Biedl syndrome 14 (BBS14). Identifiers: Orphanet 110, MedGen C2673874, MONDO:0014442, OMIM 615991.
Joubert syndrome 5 (JBTS5). Identifiers: Orphanet 2318, MedGen C1857780, MONDO:0012432, OMIM 610188.

Submissions (3):

Baylor Genetics
Classification: Pathogenic for Bardet-Biedl syndrome 14. Last evaluated: 2024-01-26. Review status: criteria provided, single submitter. Criteria: ACMG Guidelines, 2015. Collection method: clinical testing. Allele origin: unknown.

Labcorp Genetics (formerly Invitae), Labcorp
Classification: Pathogenic for Joubert syndrome; Meckel-Gruber syndrome; Nephronophthisis. Last evaluated: 2022-07-23. Review status: criteria provided, single submitter. Criteria: Invitae Variant Classification Sherloc (09022015). Collection method: clinical testing. Allele origin: germline.
Comment: For these reasons, this variant has been classified as Pathogenic. ClinVar contains an entry for this variant (Variation ID: 217625). This premature translational stop signal has been observed in individual(s) with Joubert syndrome (PMID: 26092869). This variant is not present in population databases (gnomAD no frequency). This sequence change creates a premature translational stop signal (p.Glu1462Argfs*5) in the CEP290 gene. It is expected to result in an absent or disrupted protein product. Loss-of-function variants in CEP290 are known to be pathogenic (PMID: 16909394, 17345604, 20690115).

UW Hindbrain Malformation Research Program, University of Washington
Classification: Pathogenic for Joubert syndrome 5. Last evaluated: 2015-02-23. Review status: criteria provided, single submitter. Criteria: Bachmann-Gagescu et al. (J Med Genet. 2015). Collection method: research. Allele origin: unknown. Affected: yes.

Literature cited by the submitters: PubMed 26092869 (cited by Labcorp Genetics (formerly Invitae), Labcorp); PubMed 16909394 (cited by Labcorp Genetics (formerly Invitae), Labcorp); PubMed 17345604 (cited by Labcorp Genetics (formerly Invitae), Labcorp); PubMed 20690115 (cited by Labcorp Genetics (formerly Invitae), Labcorp).